The following is an entry in ClinVar:

ClinVar aggregate classification (germline): Uncertain significance (1 of 4 stars; one submission).

Conditions:
Shprintzen-Goldberg syndrome (SGS). Also called: Marfanoid disorder with craniosynostosis type 1; Marfanoid craniosynostosis syndrome; Shprintzen-Goldberg marfanoid syndrome; SHPRINTZEN-GOLDBERG CRANIOSYNOSTOSIS SYNDROME; CRANIOSYNOSTOSIS WITH ARACHNODACTYLY AND ABDOMINAL HERNIAS. Identifiers: Orphanet 2462, MedGen C1321551, MONDO:0008426, OMIM 182212.

Submission:

Labcorp Genetics (formerly Invitae), Labcorp
Classification: Uncertain significance for Shprintzen-Goldberg syndrome. Last evaluated: 2023-08-25. Review status: criteria provided, single submitter. Criteria: Invitae Variant Classification Sherloc (09022015). Collection method: clinical testing. Allele origin: germline.
Comment: This variant is not present in population databases (gnomAD no frequency). This sequence change replaces asparagine, which is neutral and polar, with isoleucine, which is neutral and non-polar, at codon 128 of the SKI protein (p.Asn128Ile). This variant has not been reported in the literature in individuals affected with SKI-related conditions. In summary, the available evidence is currently insufficient to determine the role of this variant in disease. Therefore, it has been classified as a Variant of Uncertain Significance. Advanced modeling of protein sequence and biophysical properties (such as structural, functional, and spatial information, amino acid conservation, physicochemical variation, residue mobility, and thermodynamic stability) performed at Invitae indicates that this missense variant is expected to disrupt SKI protein function.

NM_003036.4(SKI):c.383A>T (p.Asn128Ile)

Gene: SKI (SKI proto-oncogene; plus strand). Cytogenetic location: 1p36.33.
Variant type: single nucleotide variant.
Coding change: c.383A>T on transcript NM_003036.4 (MANE Select); coding-DNA position 383, A replaced by T.
Protein change: p.Asn128Ile; replaces asparagine 128 with isoleucine.
Molecular consequence: missense variant.
Genome position (GRCh38, 1-based): chr1:2,229,149, A>T. VCF-style: chr1-2229149-A-T. GRCh37 (hg19) VCF-style: chr1-2160588-A-T.
Other names: short protein forms N128I.
Identifiers: ClinVar variation 2755216 (VCV002755216.3), dbSNP rs1638573051, ClinGen allele CA337953009.